The following is an entry in ClinVar:

ClinVar aggregate classification (germline): Uncertain significance (1 of 4 stars; one submission).

Conditions:
Familial cold autoinflammatory syndrome 3 (FCAS3). Also called: FAMILIAL ATYPICAL COLD URTICARIA; ANTIBODY DEFICIENCY AND IMMUNE DYSREGULATION, PLCG2-ASSOCIATED. Identifiers: Orphanet 300359, MedGen C3280914, MONDO:0013766, OMIM 614468.

Submission:

Labcorp Genetics (formerly Invitae), Labcorp
Classification: Uncertain significance for Familial cold autoinflammatory syndrome 3. Last evaluated: 2023-11-05. Review status: criteria provided, single submitter. Criteria: Invitae Variant Classification Sherloc (09022015). Collection method: clinical testing. Allele origin: germline.
Comment: This sequence change replaces arginine, which is basic and polar, with leucine, which is neutral and non-polar, at codon 350 of the PLCG2 protein (p.Arg350Leu). This variant is not present in population databases (gnomAD no frequency). This variant has not been reported in the literature in individuals affected with PLCG2-related conditions. An algorithm developed to predict the effect of missense changes on protein structure and function (PolyPhen-2) suggests that this variant is likely to be disruptive. In summary, the available evidence is currently insufficient to determine the role of this variant in disease. Therefore, it has been classified as a Variant of Uncertain Significance.

NM_002661.5(PLCG2):c.1049G>T (p.Arg350Leu)

Gene: PLCG2 (phospholipase C gamma 2; plus strand). Cytogenetic location: 16q23.3.
Variant type: single nucleotide variant.
Coding change: c.1049G>T on transcript NM_002661.5 (MANE Select); coding-DNA position 1049, G replaced by T.
Protein change: p.Arg350Leu; replaces arginine 350 with leucine.
Molecular consequence: missense variant.
Genome position (GRCh38, 1-based): chr16:81,893,771, G>T. VCF-style: chr16-81893771-G-T. GRCh37 (hg19) VCF-style: chr16-81927376-G-T.
Other names: c.1049G>T, p.Arg350Leu (NM_001425751.1, NM_001425749.1, NM_001425750.1); short protein forms R350L.
Identifiers: ClinVar variation 2693509 (VCV002693509.3), dbSNP rs200824224, ClinGen allele CA396898725.